The following is an entry in ClinVar:

ClinVar aggregate classification (germline): Uncertain significance (1 of 4 stars; one submission).

Allele frequency attached by ClinVar (database versions not stated): ExAC 0.00001; gnomAD exomes 0.00001.
gnomAD v4.1: 4 of 1,612,972 alleles (0.00025%); highest among the groups gnomAD compares: Non-Finnish European, 0.00034%; no homozygotes.

Submission:

Labcorp Genetics (formerly Invitae), Labcorp
Classification: Uncertain significance. Last evaluated: 2022-04-20. Review status: criteria provided, single submitter. Criteria: Invitae Variant Classification Sherloc (09022015). Collection method: clinical testing. Allele origin: germline.
Comment: This variant is present in population databases (rs776054099, gnomAD 0.002%). This variant has not been reported in the literature in individuals affected with SEMA4A-related conditions. Algorithms developed to predict the effect of missense changes on protein structure and function (SIFT, PolyPhen-2, Align-GVGD) all suggest that this variant is likely to be disruptive. In summary, the available evidence is currently insufficient to determine the role of this variant in disease. Therefore, it has been classified as a Variant of Uncertain Significance. This sequence change replaces tryptophan, which is neutral and slightly polar, with cysteine, which is neutral and slightly polar, at codon 534 of the SEMA4A protein (p.Trp534Cys).

NM_022367.4(SEMA4A):c.1602G>T (p.Trp534Cys)

Gene: SEMA4A (semaphorin 4A; plus strand). Cytogenetic location: 1q22.
Variant type: single nucleotide variant.
Coding change: c.1602G>T on transcript NM_022367.4 (MANE Select); coding-DNA position 1602, G replaced by T.
Protein change: p.Trp534Cys; replaces tryptophan 534 with cysteine.
Molecular consequence: missense variant.
Genome position (GRCh38, 1-based): chr1:156,175,565, G>T. VCF-style: chr1-156175565-G-T. GRCh37 (hg19) VCF-style: chr1-156145356-G-T.
Other names: c.1602G>T, p.Trp534Cys (NM_001193300.2, NM_001193301.2, NM_001370567.1); c.1206G>T, p.Trp402Cys (NM_001193302.2); c.1305G>T, p.Trp435Cys (NM_001370568.1); c.1095G>T, p.Trp365Cys (NM_001370569.1, NM_001370571.1); short protein forms W402C, W365C, W435C, W534C.
Identifiers: ClinVar variation 1915618 (VCV001915618.5), dbSNP rs776054099, ClinGen allele CA1155415.